The following is an entry in ClinVar:

ClinVar aggregate classification (germline): Uncertain significance (1 of 4 stars; one submission).

Submission:

Labcorp Genetics (formerly Invitae), Labcorp
Classification: Uncertain significance. Last evaluated: 2024-09-04. Review status: criteria provided, single submitter. Criteria: Invitae Variant Classification Sherloc (09022015). Collection method: clinical testing. Allele origin: germline.
Comment: This sequence change replaces serine, which is neutral and polar, with alanine, which is neutral and non-polar, at codon 1581 of the TUBGCP6 protein (p.Ser1581Ala). This variant is not present in population databases (gnomAD no frequency). This variant has not been reported in the literature in individuals affected with TUBGCP6-related conditions. An algorithm developed to predict the effect of missense changes on protein structure and function (PolyPhen-2) suggests that this variant is likely to be disruptive. In summary, the available evidence is currently insufficient to determine the role of this variant in disease. Therefore, it has been classified as a Variant of Uncertain Significance.

NM_020461.4(TUBGCP6):c.4741T>G (p.Ser1581Ala)

Gene: TUBGCP6 (tubulin gamma complex component 6; minus strand). Cytogenetic location: 22q13.33.
Variant type: single nucleotide variant.
Coding change: c.4741T>G on transcript NM_020461.4 (MANE Select); coding-DNA position 4741, T replaced by G.
Protein change: p.Ser1581Ala; replaces serine 1581 with alanine.
Molecular consequence: missense variant.
Genome position (GRCh38, 1-based): chr22:50,218,783, A>C on the plus strand (T>G on the coding strand, the complement: TUBGCP6 is on the minus strand). VCF-style: chr22-50218783-A-C. GRCh37 (hg19) VCF-style: chr22-50657212-A-C.
Other names: short protein forms S1581A.
Identifiers: ClinVar variation 3681309 (VCV003681309.2).